The following is an entry in ClinVar:

NM_000075.4(CDK4):c.102C>A (p.Leu34=)

Gene: CDK4 (cyclin dependent kinase 4; minus strand). Cytogenetic location: 12q14.1.
Variant type: single nucleotide variant.
Coding change: c.102C>A on transcript NM_000075.4 (MANE Select); coding-DNA position 102, C replaced by A.
Protein change: p.Leu34=; no amino-acid change (leucine 34 retained).
Molecular consequence: synonymous variant.
Genome position (GRCh38, 1-based): chr12:57,751,616, G>T on the plus strand (C>A on the coding strand, the complement: CDK4 is on the minus strand). VCF-style: chr12-57751616-G-T. GRCh37 (hg19) VCF-style: chr12-58145399-G-T.
Identifiers: ClinVar variation 3379346 (VCV003379346.1).

ClinVar aggregate classification (germline): Benign (1 of 4 stars; one submission).

Conditions:
Melanoma, cutaneous malignant, susceptibility to, 3. Also called: Cutaneous malignant melanoma 3. Identifiers: Orphanet 618, MedGen C1836892, MONDO:0012183, OMIM 609048.

Submission:

Myriad Genetics, Inc.
Classification: Benign for Melanoma, cutaneous malignant, susceptibility to, 3. Last evaluated: 2024-09-24. Review status: criteria provided, single submitter. Criteria: Myriad Autosomal Dominant, Autosomal Recessive and X-Linked Classification Criteria (2023). Collection method: clinical testing. Allele origin: unknown.
Comment: This variant is considered benign. This variant is a silent/synonymous amino acid change and it is not expected to impact splicing.